The following is an entry in ClinVar:

NM_001367721.1(CASK):c.1847A>G (p.Tyr616Cys)

Gene: CASK (calcium/calmodulin dependent serine protein kinase; minus strand). Cytogenetic location: Xp11.4.
Variant type: single nucleotide variant.
Coding change: c.1847A>G on transcript NM_001367721.1 (MANE Select); coding-DNA position 1847, A replaced by G.
Protein change: p.Tyr616Cys; replaces tyrosine 616 with cysteine.
Molecular consequence: missense variant.
Genome position (GRCh38, 1-based): chrX:41,553,911, T>C on the plus strand (A>G on the coding strand, the complement: CASK is on the minus strand). VCF-style: chrX-41553911-T-C. GRCh37 (hg19) VCF-style: chrX-41413164-T-C.
Other names: c.1778A>G, p.Tyr593Cys (NM_001126054.3); c.1760A>G, p.Tyr587Cys (NM_001126055.3); c.1829A>G, p.Tyr610Cys (NM_001410745.1); c.1847A>G, p.Tyr616Cys (NM_003688.4); short protein forms Y587C, Y593C, Y616C, Y610C.
Identifiers: ClinVar variation 1701076 (VCV001701076.2), dbSNP rs2147138697, ClinGen allele CA412993477.

ClinVar aggregate classification (germline): Uncertain significance. Review status: criteria provided, single submitter (1 of 4 stars). 2 submissions from 2 submitters: Uncertain significance (1). 1 of the submissions does not count toward it. Last evaluated 2025-05-16.

Conditions:
Seizure. Also called: Seizures. Identifiers: MedGen C0036572, HP:0001250.

gnomAD v4.1: 2 of 1,191,492 alleles (0.00017%); highest among the groups gnomAD compares: Non-Finnish European, 0.00023%; no homozygotes.

Submissions (2):

GeneDx
Classification: Uncertain significance. Last evaluated: 2025-05-16. Review status: criteria provided, single submitter. Criteria: GeneDx Variant Classification Process June 2021. Collection method: clinical testing. Allele origin: germline. Affected: yes.
Comment: Not observed at significant frequency in large population cohorts (gnomAD); In silico analysis supports that this missense variant has a deleterious effect on protein structure/function; Has not been previously published as pathogenic or benign to our knowledge

Diagnostic Laboratory, Strasbourg University Hospital
Classification: Uncertain significance for Seizure. Review status: no assertion criteria provided. Collection method: clinical testing. Allele origin: maternal. Affected: yes. Observed: 1 hemizygote. Not counted in ClinVar's aggregate classification.